The following is an entry in ClinVar:

NM_001166108.2(PALLD):c.526A>G (p.Ile176Val)

Gene: PALLD (palladin, cytoskeletal associated protein; plus strand). Cytogenetic location: 4q32.3.
Variant type: single nucleotide variant.
Coding change: c.526A>G on transcript NM_001166108.2 (MANE Select); coding-DNA position 526, A replaced by G.
Protein change: p.Ile176Val; replaces isoleucine 176 with valine.
Molecular consequence: missense variant.
Genome position (GRCh38, 1-based): chr4:168,512,030, A>G. VCF-style: chr4-168512030-A-G. GRCh37 (hg19) VCF-style: chr4-169433181-A-G.
Other names: c.526A>G, p.Ile176Val (NM_016081.4); short protein forms I176V.
Identifiers: ClinVar variation 1746482 (VCV001746482.2), dbSNP rs975923414, ClinGen allele CA109883329.

ClinVar aggregate classification (germline): Uncertain significance (1 of 4 stars; one submission).

Allele frequency attached by ClinVar (database versions not stated): gnomAD exomes below 0.00001; gnomAD 0.00001.
gnomAD v4.1: 3 of 1,614,108 alleles (0.00019%); highest among the groups gnomAD compares: Admixed American, 0.005%; no homozygotes.

Submission:

Ambry Genetics
Classification: Uncertain significance. Last evaluated: 2024-03-21. Review status: criteria provided, single submitter. Criteria: Ambry Variant Classification Scheme 2023. Collection method: clinical testing. Allele origin: germline.
Comment: The p.I176V variant (also known as c.526A>G), located in coding exon 1 of the PALLD gene, results from an A to G substitution at nucleotide position 526. The isoleucine at codon 176 is replaced by valine, an amino acid with highly similar properties. This amino acid position is conserved. In addition, the in silico prediction for this alteration is inconclusive. Since supporting evidence is limited at this time, the clinical significance of this alteration remains unclear.